The following is an entry in ClinVar:

ClinVar aggregate classification (germline): Uncertain significance (1 of 4 stars; one submission).

Conditions:
Cardiomyopathy (CMYO). Also called: Cardiomyopathies. Identifiers: Orphanet 167848, MedGen C0878544, MONDO:0004994, HP:0001638. Inheritance: Various modes of inheritance.

Submission:

Color Diagnostics, LLC DBA Color Health
Classification: Uncertain significance for Cardiomyopathy. Last evaluated: 2019-02-03. Review status: criteria provided, single submitter. Criteria: ACMG Guidelines, 2015. Collection method: clinical testing. Allele origin: germline.
Comment: Variant of Uncertain Significance due to insufficient evidence: This variant causes a deletion of phenylalanine at codon 4284 of the RYR2 protein. To our knowledge, functional assays have not been performed for this variant. Computational splicing tools suggest that this variant may not impact RNA splicing. This variant has not been reported in individuals affected with cardiovascular disorders in the literature. This variant is rare in the general population and has been identified in 0/277264 chromosomes by the Genome Aggregation Database (gnomAD). Available evidence is insufficient to determine the role of this variant in disease conclusively.

NM_001035.3(RYR2):c.12846CTT[1] (p.Phe4284del)

Genes: RYR2 (ryanodine receptor 2; plus strand), LOC126806068 (BRD4-independent group 4 enhancer GRCh37_chr1:237947411-237948610; plus strand). Cytogenetic location: 1q43.
Variant type: Microsatellite.
Coding change: c.12846CTT[1] on transcript NM_001035.3 (MANE Select); one copy of the 3-base unit CTT starting at c.12846; the reference has two copies in a row; one copy, 3 bases deleted; also written c.12849_12851del.
Protein change: p.Phe4284del; deletes phenylalanine 4284.
Molecular consequence: inframe deletion.
Genome position (GRCh38, 1-based): chr1:237,784,561-237,784,563, CTT deleted; deleting any 3 consecutive bases within chr1:237,784,558-237,784,563 gives the same sequence; the position shown is the placement nearest the transcript's 3' end. VCF-style (leftmost placement, unchanged base first): chr1-237784557-CCTT-C. GRCh37 (hg19) VCF-style: chr1-237947857-CCTT-C.
Other names: c.12849_12851del (NM_001035.3); short protein forms F4284del.
Identifiers: ClinVar variation 920853 (VCV000920853.3), dbSNP rs1695394603, ClinGen allele CA913187871.